The following is an entry in ClinVar:

ClinVar aggregate classification (germline): Uncertain significance (1 of 4 stars; one submission).

gnomAD v4.1: 1 of 1,202,013 alleles (0.000083%); highest among the groups gnomAD compares: Non-Finnish European, 0.00011%; no homozygotes.

Submission:

GeneDx
Classification: Uncertain significance. Last evaluated: 2025-05-30. Review status: criteria provided, single submitter. Criteria: GeneDx Variant Classification Process June 2021. Collection method: clinical testing. Allele origin: germline. Affected: yes.
Comment: Not observed at significant frequency in large population cohorts (gnomAD); In silico analysis suggests that this missense variant does not alter protein structure/function; Has not been previously published as pathogenic or benign to our knowledge

NM_001330360.2(POLA1):c.3352A>G (p.Ile1118Val)

Gene: POLA1 (DNA polymerase alpha 1, catalytic subunit; plus strand). Cytogenetic location: Xp22.11.
Variant type: single nucleotide variant.
Coding change: c.3352A>G on transcript NM_001330360.2 (MANE Select); coding-DNA position 3352, A replaced by G.
Protein change: p.Ile1118Val; replaces isoleucine 1118 with valine.
Molecular consequence: missense variant. On other transcripts: non-coding transcript variant (2).
Genome position (GRCh38, 1-based): chrX:24,815,034, A>G. VCF-style: chrX-24815034-A-G. GRCh37 (hg19) VCF-style: chrX-24833151-A-G.
Other names: c.3277A>G, p.Ile1093Val (NM_001378303.1); c.3352A>G, p.Ile1118Val (NM_001440806.1); c.3334A>G, p.Ile1112Val (NM_016937.4); short protein forms I1093V, I1112V, I1118V.
Identifiers: ClinVar variation 4532669 (VCV004532669.1).
Genomic context (GRCh38, chrX:24,815,034, plus strand): 5'-TGCAGCTTTGTGATTGGCCAGATTCTTTCTGATCAAAGCCGGGACACTATAGTGGAAAAC[A>G]TTCAGAAGAGGCTGATAGAAATTGGAGAAAATGTGCTAAATGGCAGTGTCCCAGTGAGCC-3'
Protein context (NP_001317289.1, residues 1108-1128): DQSRDTIVEN[Ile1118Val]QKRLIEIGEN